The following is an entry in ClinVar:

ClinVar aggregate classification (germline): Uncertain significance (1 of 4 stars; one submission).

Conditions:
3-methylglutaconic aciduria, type VIIB (MGCA7B). Also called: CLPB Deficiency; 3-methylglutaconic aciduria, type VII, with cataracts, neurologic involvement and neutropenia; 3-methylglutaconic aciduria with cataracts, neurologic involvement and neutropenia. Identifiers: Orphanet 445038, MedGen C5676893, MONDO:0014561, OMIM 616271.

Allele frequency attached by ClinVar (database versions not stated): gnomAD exomes below 0.00001; gnomAD 0.00001; TOPMed 0.00001.
gnomAD v4.1: 2 of 1,613,774 alleles (0.00012%); highest among the groups gnomAD compares: Non-Finnish European, 0.00017%; no homozygotes.

Submission:

Labcorp Genetics (formerly Invitae), Labcorp
Classification: Uncertain significance for 3-methylglutaconic aciduria, type VIIB. Last evaluated: 2024-11-05. Review status: criteria provided, single submitter. Criteria: Invitae Variant Classification Sherloc (09022015). Collection method: clinical testing. Allele origin: germline.
Comment: This sequence change replaces valine, which is neutral and non-polar, with methionine, which is neutral and non-polar, at codon 173 of the CLPB protein (p.Val173Met). This variant is not present in population databases (gnomAD no frequency). This variant has not been reported in the literature in individuals affected with CLPB-related conditions. ClinVar contains an entry for this variant (Variation ID: 2096340). An algorithm developed to predict the effect of missense changes on protein structure and function (PolyPhen-2) suggests that this variant is likely to be disruptive. In summary, the available evidence is currently insufficient to determine the role of this variant in disease. Therefore, it has been classified as a Variant of Uncertain Significance.

NM_001258392.3(CLPB):c.517G>A (p.Val173Met)

Gene: CLPB (ClpB family mitochondrial disaggregase; minus strand). Cytogenetic location: 11q13.4.
Variant type: single nucleotide variant.
Coding change: c.517G>A on transcript NM_001258392.3 (MANE Select); coding-DNA position 517, G replaced by A.
Protein change: p.Val173Met; replaces valine 173 with methionine.
Molecular consequence: missense variant. On other transcripts: intron variant (1).
Genome position (GRCh38, 1-based): chr11:72,402,991, C>T on the plus strand (G>A on the coding strand, the complement: CLPB is on the minus strand). VCF-style: chr11-72402991-C-T. GRCh37 (hg19) VCF-style: chr11-72114035-C-T.
Other names: c.382G>A, p.Val128Met (NM_001258394.3); c.517G>A, p.Val173Met (NM_030813.6); c.456-22607G>A (NM_001258393.3); short protein forms V128M, V173M.
Identifiers: ClinVar variation 2096340 (VCV002096340.4), dbSNP rs1296900809, ClinGen allele CA381964578.